The following is an entry in ClinVar:

ClinVar aggregate classification (germline): Uncertain significance. Review status: criteria provided, single submitter (1 of 4 stars). 2 submissions from 2 submitters: Uncertain significance (1). 1 of the submissions does not count toward it. Last evaluated 2022-07-12.

Conditions:
ALG6-congenital disorder of glycosylation 1C (CDG1C). Also called: CARBOHYDRATE-DEFICIENT GLYCOPROTEIN SYNDROME, TYPE I, WITH DEFICIENT GLYCOSYLATION OF DOLICHOL-LINKED OLIGOSACCHARIDE; CARBOHYDRATE-DEFICIENT GLYCOPROTEIN SYNDROME, TYPE V; Congenital disorder of glycosylation type 1C; CDG Ic; Congenital disorder of glycosylation, type Ic. Identifiers: Orphanet 79320, MedGen C2930997, MONDO:0011291, OMIM 603147.

Allele frequency attached by ClinVar (database versions not stated): gnomAD exomes below 0.00001; gnomAD 0.00001; TOPMed 0.00001.
gnomAD v4.1: 6 of 1,613,748 alleles (0.00037%); highest among the groups gnomAD compares: Admixed American, 0.0067%; no homozygotes.

Submissions (2):

Labcorp Genetics (formerly Invitae), Labcorp
Classification: Uncertain significance for ALG6-congenital disorder of glycosylation 1C. Last evaluated: 2022-07-12. Review status: criteria provided, single submitter. Criteria: Invitae Variant Classification Sherloc (09022015). Collection method: clinical testing. Allele origin: germline.
Comment: This sequence change replaces alanine, which is neutral and non-polar, with threonine, which is neutral and polar, at codon 192 of the ALG6 protein (p.Ala192Thr). This variant is not present in population databases (gnomAD no frequency). This variant has not been reported in the literature in individuals affected with ALG6-related conditions. ClinVar contains an entry for this variant (Variation ID: 1047275). Algorithms developed to predict the effect of missense changes on protein structure and function are either unavailable or do not agree on the potential impact of this missense change (SIFT: "Tolerated"; PolyPhen-2: "Probably Damaging"; Align-GVGD: "Class C0"). In summary, the available evidence is currently insufficient to determine the role of this variant in disease. Therefore, it has been classified as a Variant of Uncertain Significance.

Natera, Inc.
Classification: Uncertain significance for Congenital disorder of glycosylation type 1c. Last evaluated: 2020-05-21. Review status: no assertion criteria provided. Collection method: clinical testing. Allele origin: germline. Not counted in ClinVar's aggregate classification.

NM_013339.4(ALG6):c.574G>A (p.Ala192Thr)

Gene: ALG6 (ALG6 alpha-1,3-glucosyltransferase; plus strand). Cytogenetic location: 1p31.3.
Variant type: single nucleotide variant.
Coding change: c.574G>A on transcript NM_013339.4 (MANE Select); coding-DNA position 574, G replaced by A.
Protein change: p.Ala192Thr; replaces alanine 192 with threonine.
Molecular consequence: missense variant.
Genome position (GRCh38, 1-based): chr1:63,411,225, G>A. VCF-style: chr1-63411225-G-A. GRCh37 (hg19) VCF-style: chr1-63876896-G-A.
Other names: short protein forms A192T.
Identifiers: ClinVar variation 1047275 (VCV001047275.5), dbSNP rs878890161, ClinGen allele CA23806551.